The following is an entry in ClinVar:

NM_001042492.3(NF1):c.3983C>T (p.Pro1328Leu)

Gene: NF1 (neurofibromin 1; plus strand). Cytogenetic location: 17q11.2.
Variant type: single nucleotide variant.
Coding change: c.3983C>T on transcript NM_001042492.3 (MANE Select); coding-DNA position 3983, C replaced by T.
Protein change: p.Pro1328Leu; replaces proline 1328 with leucine.
Molecular consequence: missense variant.
Genome position (GRCh38, 1-based): chr17:31,248,992, C>T. VCF-style: chr17-31248992-C-T. GRCh37 (hg19) VCF-style: chr17-29576010-C-T.
Other names: c.3983C>T, p.Pro1328Leu (NM_000267.4); short protein forms P1328L.
Identifiers: ClinVar variation 3634545 (VCV003634545.2).
Genomic context (GRCh38, chr17:31,248,992, plus strand): 5'-TGTTATTTGTTTTAAACAAAAGTGTTAGGATTTTATTTTTATTTTTTTGTAGGTTAGAAC[C>T]ATCAGAGAGCCTTGAGGAAAACCAGCGGAACCTCCTTCAGATGACTGAAAAGTTCTTCCA-3'
Protein context (NP_001035957.1, residues 1318-1338): SFEVDPTRLE[Pro1328Leu]SESLEENQRN

ClinVar aggregate classification (germline): Uncertain significance (1 of 4 stars; one submission).

Conditions:
Neurofibromatosis, type 1 (NF1). Also called: VON RECKLINGHAUSEN DISEASE; Peripheral type neurofibromatosis; NEUROFIBROMATOSIS, TYPE I, SOMATIC; Neurofibromatosis, type I. Identifiers: Orphanet 636, MedGen C0027831, MONDO:0018975, OMIM 162200. Disease mechanism: loss of function.

Submission:

Labcorp Genetics (formerly Invitae), Labcorp
Classification: Uncertain significance for Neurofibromatosis, type 1. Last evaluated: 2024-05-27. Review status: criteria provided, single submitter. Criteria: Invitae Variant Classification Sherloc (09022015). Collection method: clinical testing. Allele origin: germline.
Comment: This sequence change replaces proline, which is neutral and non-polar, with leucine, which is neutral and non-polar, at codon 1328 of the NF1 protein (p.Pro1328Leu). This variant is not present in population databases (gnomAD no frequency). This variant has not been reported in the literature in individuals affected with NF1-related conditions. Advanced modeling of protein sequence and biophysical properties (such as structural, functional, and spatial information, amino acid conservation, physicochemical variation, residue mobility, and thermodynamic stability) has been performed at Invitae for this missense variant, however the output from this modeling did not meet the statistical confidence thresholds required to predict the impact of this variant on NF1 protein function. In summary, the available evidence is currently insufficient to determine the role of this variant in disease. Therefore, it has been classified as a Variant of Uncertain Significance.